The following is an entry in ClinVar:

NM_020975.6(RET):c.1605C>T (p.Gly535=)

Gene: RET (ret proto-oncogene; plus strand). Cytogenetic location: 10q11.21.
Variant type: single nucleotide variant.
Coding change: c.1605C>T on transcript NM_020975.6 (MANE Select); coding-DNA position 1605, C replaced by T.
Protein change: p.Gly535=; no amino-acid change (glycine 535 retained).
Molecular consequence: synonymous variant.
Genome position (GRCh38, 1-based): chr10:43,112,181, C>T. VCF-style: chr10-43112181-C-T. GRCh37 (hg19) VCF-style: chr10-43607629-C-T.
Other names: c.1605C>T, p.Gly535= (NM_000323.2, NM_001406743.1, NM_001406744.1 and 6 more transcripts); c.843C>T, p.Gly281= (NM_001355216.2); c.1476C>T, p.Gly492= (NM_001406761.1, NM_001406762.1, NM_001406764.1 and 1 more transcripts); c.1317C>T, p.Gly439= (NM_001406766.1, NM_001406767.1, NM_001406770.1); c.1209C>T, p.Gly403= (NM_001406769.1, NM_001406772.1); c.1167C>T, p.Gly389= (NM_001406771.1, NM_001406773.1); c.1080C>T, p.Gly360= (NM_001406774.1); c.879C>T, p.Gly293= (NM_001406775.1, NM_001406776.1, NM_001406777.1 and 1 more transcripts); and 5 more.
Identifiers: ClinVar variation 1776263 (VCV001776263.5), dbSNP rs1472111121, ClinGen allele CA469027654.

ClinVar aggregate classification (germline): Benign/Likely benign. Review status: criteria provided, multiple submitters, no conflicts (2 of 4 stars). 3 submissions from 3 submitters: Benign (1); Likely benign (2). Last evaluated 2025-02-25.

Conditions:
Multiple endocrine neoplasia, type 2 (MEN2). Identifiers: Orphanet 653, MedGen C4048306, MONDO:0019003. Disease mechanism: gain of function.
Hereditary cancer-predisposing syndrome. Also called: Neoplastic Syndromes, Hereditary; Tumor predisposition; Hereditary Cancer Syndrome; Hereditary neoplastic syndrome. Identifiers: Orphanet 140162, MedGen C0027672, MeSH D009386, MONDO:0015356.
Multiple endocrine neoplasia type 2A. Also called: MULTIPLE ENDOCRINE NEOPLASIA, TYPE IIA; PTC SYNDROME; SIPPLE SYNDROME; MEN 2A; MEN-2A syndrome; Pheochromocytoma and amyloid producing medullary thyroid carcinoma. Identifiers: Orphanet 247698, Orphanet 653, MedGen C0025268, MeSH D018813, MONDO:0008234, OMIM 171400.

Allele frequency attached by ClinVar (database versions not stated): gnomAD exomes below 0.00001; TOPMed below 0.00001; gnomAD 0.00001.
gnomAD v4.1: 2 of 1,568,768 alleles (0.00013%); highest among the groups gnomAD compares: African/African-American, 0.0014%; no homozygotes.

Submissions (3):

Myriad Genetics, Inc.
Classification: Benign for Multiple endocrine neoplasia type 2A. Last evaluated: 2025-02-25. Review status: criteria provided, single submitter. Criteria: Myriad Autosomal Dominant, Autosomal Recessive and X-Linked Classification Criteria (2023). Collection method: clinical testing. Allele origin: unknown.
Comment: This variant is considered benign. This variant is a silent/synonymous amino acid change and it is not expected to impact splicing.

Labcorp Genetics (formerly Invitae), Labcorp
Classification: Likely benign for Multiple endocrine neoplasia, type 2. Last evaluated: 2024-11-12. Review status: criteria provided, single submitter. Criteria: Invitae Variant Classification Sherloc (09022015). Collection method: clinical testing. Allele origin: germline.

Ambry Genetics
Classification: Likely benign for Hereditary cancer-predisposing syndrome. Last evaluated: 2021-06-29. Review status: criteria provided, single submitter. Criteria: Ambry Variant Classification Scheme 2023. Collection method: clinical testing. Allele origin: germline.